The following is an entry in ClinVar:

NM_001267550.2(TTN):c.30372C>A (p.Asn10124Lys)

Gene: TTN (titin; minus strand). Cytogenetic location: 2q31.2.
Variant type: single nucleotide variant.
Coding change: c.30372C>A on transcript NM_001267550.2 (MANE Select); coding-DNA position 30372, C replaced by A.
Protein change: p.Asn10124Lys; replaces asparagine 10124 with lysine.
Molecular consequence: missense variant. On other transcripts: intron variant (3).
Genome position (GRCh38, 1-based): chr2:178,702,515, G>T on the plus strand (C>A on the coding strand, the complement: TTN is on the minus strand). VCF-style: chr2-178702515-G-T. GRCh37 (hg19) VCF-style: chr2-179567242-G-T.
Other names: c.29421C>A, p.Asn9807Lys (NM_001256850.1); c.26640C>A, p.Asn8880Lys (NM_133378.4); c.13282+35567C>A (NM_003319.4); c.13858+35567C>A (NM_133437.4); c.13657+35567C>A (NM_133432.3); short protein forms N10124K, N8880K, N9807K.
Identifiers: ClinVar variation 3383745 (VCV003383745.2).
Genomic context (GRCh38, chr2:178,702,515, plus strand): 5'-TTCATCGTCTGGGGTCACATTGTGGATGGTCATATAATGGCAGCGGCCATCATTCCTGAA[G>T]TTGTATTTCTGGCTCTCTGTCAGTTCTGTTGGTCCTTTGTACCATGTTACAATGGCATCA-3'
Protein context (NP_001254479.2, residues 10114-10134): PTELTESQKY[Asn10124Lys]FRNDGRCHYM

ClinVar aggregate classification (germline): Uncertain significance (1 of 4 stars; one submission).

gnomAD v4.1: 2 of 1,613,824 alleles (0.00012%); highest among the groups gnomAD compares: African/African-American, 0.0013%; no homozygotes.

Submission:

GeneDx
Classification: Uncertain significance. Last evaluated: 2026-08-11. Review status: criteria provided, single submitter. Criteria: GeneDx Variant Classification Process June 2021. Collection method: clinical testing. Allele origin: germline.
Comment: Not observed at significant frequency in large population cohorts (gnomAD); Missense variant in a gene in which most reported pathogenic variants are truncating/loss of function; Has not been previously published as pathogenic or benign to our knowledge